The following is an entry in ClinVar:

NM_006231.4(POLE):c.4863C>T (p.Val1621=)

Gene: POLE (DNA polymerase epsilon, catalytic subunit; minus strand). Cytogenetic location: 12q24.33.
Variant type: single nucleotide variant.
Coding change: c.4863C>T on transcript NM_006231.4 (MANE Select); coding-DNA position 4863, C replaced by T.
Protein change: p.Val1621=; no amino-acid change (valine 1621 retained).
Molecular consequence: synonymous variant.
Genome position (GRCh38, 1-based): chr12:132,642,595, G>A on the plus strand (C>T on the coding strand, the complement: POLE is on the minus strand). VCF-style: chr12-132642595-G-A. GRCh37 (hg19) VCF-style: chr12-133219181-G-A.
Identifiers: ClinVar variation 518027 (VCV000518027.5), dbSNP rs1057522227, ClinGen allele CA482848949.
Genomic context (GRCh38, chr12:132,642,595, plus strand): 5'-GGTGTCCAGGTTGAGGTAGTGACGGATCATGCGCCGGGCTCCATGGCGCTGCCAGTCCAG[G>A]ACCCCATAGTTGATCTTGTCAGCCACACAGATAGGCACCAGTGGGAATTCCTCCAAGACA-3'
Protein context (NP_006222.2, residues 1611-1631): ICVADKINYG[Val1621=]LDWQRHGARR

ClinVar aggregate classification (germline): Likely benign. Review status: criteria provided, multiple submitters, no conflicts (2 of 4 stars). 3 submissions from 3 submitters: Likely benign (3). Last evaluated 2025-08-08.

Conditions:
Hereditary cancer-predisposing syndrome. Also called: Tumor predisposition; Hereditary neoplastic syndrome; Neoplastic Syndromes, Hereditary; Hereditary Cancer Syndrome. Identifiers: Orphanet 140162, MedGen C0027672, MeSH D009386, MONDO:0015356.

gnomAD v4.1: 1 of 1,613,554 alleles (0.000062%); highest among the groups gnomAD compares: South Asian, 0.0011%; no homozygotes.

Submissions (3):

Ambry Genetics
Classification: Likely benign for Hereditary cancer-predisposing syndrome. Last evaluated: 2025-08-08. Review status: criteria provided, single submitter. Criteria: Ambry Variant Classification Scheme 2023. Collection method: clinical testing. Allele origin: germline.

Labcorp Genetics (formerly Invitae), Labcorp
Classification: Likely benign. Last evaluated: 2023-06-22. Review status: criteria provided, single submitter. Criteria: Invitae Variant Classification Sherloc (09022015). Collection method: clinical testing. Allele origin: germline.

GeneDx
Classification: Likely benign. Last evaluated: 2017-06-15. Review status: criteria provided, single submitter. Criteria: GeneDx Variant Classification (06012015). Collection method: clinical testing. Allele origin: germline. Affected: yes.
Comment: This variant is considered likely benign or benign based on one or more of the following criteria: it is a conservative change, it occurs at a poorly conserved position in the protein, it is predicted to be benign by multiple in silico algorithms, and/or has population frequency not consistent with disease.